The following is an entry in ClinVar:

ClinVar aggregate classification (germline): Likely benign (1 of 4 stars; one submission).

Submission:

Mayo Clinic Laboratories, Mayo Clinic
Classification: Likely benign. Last evaluated: 2025-03-28. Review status: criteria provided, single submitter. Criteria: ACMG Guidelines, 2015. Collection method: clinical testing. Allele origin: germline. Observed: 1 variant allele.
Comment: BP4, BP7

NM_001303.4(COX10):c.861C>T (p.Val287=)

Genes: COX10 (cytochrome c oxidase assembly factor heme A:farnesyltransferase COX10; plus strand), LOC105943586 (distal CMT1A-REP; plus strand). Cytogenetic location: 17p12.
Variant type: single nucleotide variant.
Coding change: c.861C>T on transcript NM_001303.4 (MANE Select); coding-DNA position 861, C replaced by T.
Protein change: p.Val287=; no amino-acid change (valine 287 retained).
Molecular consequence: synonymous variant.
Genome position (GRCh38, 1-based): chr17:14,192,154, C>T. VCF-style: chr17-14192154-C-T. GRCh37 (hg19) VCF-style: chr17-14095471-C-T.
Other names: p.Val287=.
Identifiers: ClinVar variation 4684191 (VCV004684191.1).